The following is an entry in ClinVar:

ClinVar aggregate classification (germline): Pathogenic (1 of 4 stars; one submission).

Submission:

Labcorp Genetics (formerly Invitae), Labcorp
Classification: Pathogenic. Last evaluated: 2022-11-08. Review status: criteria provided, single submitter. Criteria: Invitae Variant Classification Sherloc (09022015). Collection method: clinical testing. Allele origin: germline.
Comment: For these reasons, this variant has been classified as Pathogenic. This variant has not been reported in the literature in individuals affected with SLC34A3-related conditions. This variant is not present in population databases (gnomAD no frequency). This sequence change creates a premature translational stop signal (p.Gln281*) in the SLC34A3 gene. It is expected to result in an absent or disrupted protein product. Loss-of-function variants in SLC34A3 are known to be pathogenic (PMID: 16358214, 16358215, 22159077).

Literature cited by the submitters: PubMed 16358214; PubMed 16358215; PubMed 22159077.

NM_001177316.2(SLC34A3):c.841C>T (p.Gln281Ter)

Gene: SLC34A3 (solute carrier family 34 member 3; plus strand). Cytogenetic location: 9q34.3.
Variant type: single nucleotide variant.
Coding change: c.841C>T on transcript NM_001177316.2 (MANE Select); coding-DNA position 841, C replaced by T.
Protein change: p.Gln281Ter; replaces glutamine 281 with a stop codon.
Molecular consequence: nonsense.
Genome position (GRCh38, 1-based): chr9:137,233,717, C>T. VCF-style: chr9-137233717-C-T. GRCh37 (hg19) VCF-style: chr9-140128169-C-T.
Other names: c.841C>T, p.Gln281Ter (NM_001177317.2, NM_080877.3); short protein forms Q281*.
Identifiers: ClinVar variation 2812578 (VCV002812578.3), dbSNP rs2538808420, ClinGen allele CA375733188.